The following is an entry in ClinVar:

NM_201253.3(CRB1):c.2688T>A (p.Cys896Ter)

Gene: CRB1 (crumbs cell polarity complex component 1; plus strand). Cytogenetic location: 1q31.3.
Variant type: single nucleotide variant.
Coding change: c.2688T>A on transcript NM_201253.3 (MANE Select); coding-DNA position 2688, T replaced by A.
Protein change: p.Cys896Ter; replaces cysteine 896 with a stop codon.
Molecular consequence: nonsense. On other transcripts: non-coding transcript variant (2), intron variant (1).
Genome position (GRCh38, 1-based): chr1:197,429,460, T>A. VCF-style: chr1-197429460-T-A. GRCh37 (hg19) VCF-style: chr1-197398590-T-A.
Other names: c.2352T>A, p.Cys784Ter (NM_001193640.2); c.2616T>A, p.Cys872Ter (NM_001257965.2); c.2129-6140T>A (NM_001257966.2); short protein forms C896*, C872*, C784*.
Identifiers: ClinVar variation 99888 (VCV000099888.33), dbSNP rs62636273, ClinGen allele CA203679.

ClinVar aggregate classification (germline): Pathogenic. Review status: criteria provided, multiple submitters, no conflicts (2 of 4 stars). 18 submissions from 16 submitters: Pathogenic (15). 3 of the submissions do not count toward it. Last evaluated 2026-04-06.

Conditions:
CRB1-related disorder. Also called: CRB1-related condition; CRB1-related disorders.
Macular dystrophy. Identifiers: MedGen C0730292, HP:0007754.
Retinitis pigmentosa 12 (RP12). Also called: RP WITH OR WITHOUT PRESERVED PARAARTERIOLE RETINAL PIGMENT EPITHELIUM; RETINITIS PIGMENTOSA WITH OR WITHOUT PARAARTERIOLAR PRESERVATION OF RETINAL PIGMENT EPITHELIUM; RP WITH OR WITHOUT PPRPE. Identifiers: Orphanet 791, MedGen C1838647, MONDO:0010818, OMIM 600105.
Leber congenital amaurosis 8 (LCA8). Identifiers: Orphanet 65, MedGen C3151202, MONDO:0013453, OMIM 613835.
Pigmented paravenous retinochoroidal atrophy. Identifiers: Orphanet 251295, MedGen C1868310, MONDO:0008246, OMIM 172870.
Leber congenital amaurosis (LCA). Also called: Leber's amaurosis. Identifiers: Orphanet 65, MedGen C0339527, MeSH D057130, MONDO:0018998.
Retinitis pigmentosa (RP). Identifiers: Orphanet 791, MedGen C0035334, MeSH D012174, MONDO:0019200, OMIM 268000. Inheritance: Autosomal dominant, autosomal recessive and X linked inheritance.

Allele frequency attached by ClinVar (database versions not stated): ExAC 0.00002; gnomAD exomes 0.00003 and 0.00009; gnomAD 0.00004; TOPMed 0.00004.
gnomAD v4.1: 127 of 1,613,958 alleles (0.0079%); highest among the groups gnomAD compares: Non-Finnish European, 0.01%; no homozygotes.

Submissions (18):

PreventionGenetics, part of Exact Sciences
Classification: Pathogenic for CRB1-related condition. Last evaluated: 2026-04-06. Review status: criteria provided, single submitter. Criteria: ACMG Guidelines, 2015. Collection method: clinical testing. Allele origin: germline.
Comment: The CRB1 c.2688T>A variant is predicted to result in premature protein termination (p.Cys896*). This variant has been reported in the homozygous and compound heterozygous states in multiple individuals with retinal dystrophies (see for example: Hanein et al. 2004. PubMed ID: 15024725; Henderson et al. 2011. PubMed ID: 20956273; Table S5, Rodríguez-Muñoz et al. 2020. PubMed ID: 32036094). This variant is reported in 0.0085% of alleles in individuals of Latino descent in gnomAD. Nonsense variants in CRB1 are expected to be pathogenic, and this variant has been classified as pathogenic by multiple independent submitters to the ClinVar database (Variation ID: 99888). Given all the evidence, we interpret c.2688T>A (p.Cys896*) as pathogenic.

Labcorp Genetics (formerly Invitae), Labcorp
Classification: Pathogenic for Leber congenital amaurosis 8; Retinitis pigmentosa 12. Last evaluated: 2026-01-04. Review status: criteria provided, single submitter. Criteria: Invitae Variant Classification Sherloc (09022015). Collection method: clinical testing. Allele origin: germline.
Comment: This sequence change creates a premature translational stop signal (p.Cys896*) in the CRB1 gene. It is expected to result in an absent or disrupted protein product. Loss-of-function variants in CRB1 are known to be pathogenic (PMID: 10508521, 22065545, 23379534, 25412400, 26957898, 28041643, 29391521). This variant is present in population databases (rs62636273, gnomAD 0.009%). This premature translational stop signal has been observed in individuals with Leber congenital amaurosis, early-onset retinal dystrophy, and retinitis pigmentosa (PMID: 15024725, 20683928, 20956273, 23379534). ClinVar contains an entry for this variant (Variation ID: 99888). For these reasons, this variant has been classified as Pathogenic.

Natera, Inc.
Classification: Pathogenic for Leber congenital amaurosis. Last evaluated: 2025-07-31. Review status: criteria provided, single submitter. Criteria: Natera Variant Classification Schema (03/2026). Collection method: clinical testing. Allele origin: germline.
Comment: The c.2688T>A variant in CRB1 is a nonsense variant predicted to introduce a stop codon at amino acid 896. This variant is expected to result in nonsense mediated decay, truncation, or a dysfunctional protein product. This variant is rare in the general population with a frequency below the threshold expected for the associated phenotype(s). This variant has been observed in one or more individuals affected with the associated recessive disease, as either homozygous or compound heterozygous with a second variant (PMID: 21153841, 20683928). Given the available evidence, this variant is classified as Pathogenic.

Fulgent Genetics
Classification: Pathogenic for Pigmented paravenous retinochoroidal atrophy; Retinitis pigmentosa 12; Leber congenital amaurosis 8. Last evaluated: 2024-03-27. Review status: criteria provided, single submitter. Criteria: ACMG Guidelines, 2015. Collection method: clinical testing. Allele origin: germline.

Baylor Genetics
Classification: Pathogenic for Leber congenital amaurosis 8. Last evaluated: 2023-11-10. Review status: criteria provided, single submitter. Criteria: ACMG Guidelines, 2015. Collection method: clinical testing. Allele origin: unknown.

GeneDx
Classification: Pathogenic. Last evaluated: 2023-07-01. Review status: criteria provided, single submitter. Criteria: GeneDx Variant Classification Process June 2021. Collection method: clinical testing. Allele origin: germline. Affected: yes.
Comment: Nonsense variant predicted to result in protein truncation or nonsense mediated decay in a gene for which loss-of-function is a known mechanism of disease; This variant is associated with the following publications: (PMID: 15024725, 34003923, 25525159, 28041643, 29391521, 28559085, 20956273, 31875109, 32036094, 32581362, 31589614, 32037395, 35119454)

Genome-Nilou Lab
Classification: Pathogenic for Leber congenital amaurosis 8. Last evaluated: 2023-04-11. Review status: criteria provided, single submitter. Criteria: ACMG Guidelines, 2015. Collection method: clinical testing. Allele origin: germline. Affected: no.

Genome-Nilou Lab
Classification: Pathogenic for Pigmented paravenous retinochoroidal atrophy. Last evaluated: 2023-04-11. Review status: criteria provided, single submitter. Criteria: ACMG Guidelines, 2015. Collection method: clinical testing. Allele origin: germline. Affected: no.

Genome-Nilou Lab
Classification: Pathogenic for Retinitis pigmentosa 12. Last evaluated: 2023-04-11. Review status: criteria provided, single submitter. Criteria: ACMG Guidelines, 2015. Collection method: clinical testing. Allele origin: germline. Affected: no.

Blueprint Genetics
Classification: Pathogenic for CRB1-related disorders. Last evaluated: 2022-12-15. Review status: criteria provided, single submitter. Criteria: ACMG Guidelines, 2015. Collection method: clinical testing. Allele origin: germline. Affected: yes. Observed: 5 variant alleles.

Ocular Genomics Institute, Massachusetts Eye and Ear
Classification: Pathogenic for Retinitis pigmentosa 12. Last evaluated: 2021-04-08. Review status: criteria provided, single submitter. Criteria: ACMG Guidelines, 2015. Collection method: research. Allele origin: germline. Affected: yes.
Comment: Through a review of available evidence we were able to apply the following criteria: PVS1, PM2, PP5. Based on this evidence we have classified this variant as Pathogenic.

Broad Center for Mendelian Genomics, Broad Institute of MIT and Harvard
Classification: Pathogenic for Retinitis pigmentosa. Last evaluated: 2021-04-01. Review status: criteria provided, single submitter. Criteria: ACMG Guidelines, 2015. Collection method: curation. Allele origin: germline. Inheritance: Autosomal recessive inheritance. Affected: yes.
Comment: Through a review of available evidence we were able to apply the following criteria: PVS1, PM2, PP5. Based on this evidence we have classified this variant as Pathogenic. If you have any questions about the classification please reach out to the Pierce Lab.

Revvity Omics, Revvity
Classification: Pathogenic. Last evaluated: 2020-06-22. Review status: criteria provided, single submitter. Criteria: ACMG Guidelines, 2015. Collection method: clinical testing. Allele origin: germline.

Leeds Institute of Medical Research, University of Leeds
Classification: Pathogenic for Macular dystrophy. Last evaluated: 2017-10-27. Review status: criteria provided, single submitter. Criteria: Khan et al. (Eur J Hum Genet. 2018). Collection method: research. Allele origin: germline. Affected: yes.

Eurofins Ntd Llc (ga)
Classification: Pathogenic. Last evaluated: 2014-09-02. Review status: criteria provided, single submitter. Criteria: EGL Classification Definitions 2015. Collection method: clinical testing. Allele origin: germline. Observed: 1 variant allele, 1 heterozygote.

NIHR Bioresource Rare Diseases, University of Cambridge
Classification: Pathogenic for Macular dystrophy. Last evaluated: 2015-01-01. Review status: no assertion criteria provided. Collection method: research. Allele origin: unknown. Affected: yes. Observed: 2 variant alleles. Not counted in ClinVar's aggregate classification.

Laboratory of Genetics in Ophthalmology, Institut Imagine
Classification: Pathogenic for Leber congenital amaurosis 8. Review status: no assertion criteria provided. Collection method: research. Allele origin: inherited. Affected: yes. Observed: 3 variant alleles. Not counted in ClinVar's aggregate classification.

Retina International
No classification provided. Review status: no classification provided. Collection method: not provided. Allele origin: not provided. Not counted in ClinVar's aggregate classification.

Literature cited by the submitters: PubMed 10508521 (cited by Labcorp Genetics (formerly Invitae), Labcorp); PubMed 22065545 (cited by Labcorp Genetics (formerly Invitae), Labcorp); PubMed 23379534 (cited by Labcorp Genetics (formerly Invitae), Labcorp); PubMed 25412400 (cited by Labcorp Genetics (formerly Invitae), Labcorp); PubMed 26957898 (cited by Labcorp Genetics (formerly Invitae), Labcorp); PubMed 28041643 (cited by Labcorp Genetics (formerly Invitae), Labcorp and NIHR Bioresource Rare Diseases, University of Cambridge); PubMed 29391521 (cited by Labcorp Genetics (formerly Invitae), Labcorp); PubMed 15024725 (cited by 6 submitters); PubMed 20683928 (cited by Labcorp Genetics (formerly Invitae), Labcorp and Natera, Inc.); PubMed 20956273 (cited by Labcorp Genetics (formerly Invitae), Labcorp); PubMed 21153841 (cited by Natera, Inc.); PubMed 34906470 (cited by Broad Center for Mendelian Genomics, Broad Institute of MIT and Harvard).